The following is an entry in ClinVar:

ClinVar aggregate classification (germline): Uncertain significance (1 of 4 stars; one submission).

Conditions:
Cleidocranial dysostosis (CLCD1). Also called: Cleidocranial Dysplasia Spectrum Disorder; Marie-Sainton disease; cleidocranial dysplasia 1. Identifiers: Orphanet 1452, MedGen C0008928, MONDO:0007340, OMIM 119600.
Metaphyseal dysplasia-maxillary hypoplasia-brachydacty syndrome. Also called: Metaphyseal dysplasia with maxillary hypoplasia with or without brachydactyly; Metaphyseal dysplasia with maxillary hypoplasia and brachydactyly; METAPHYSEAL DYSPLASIA AND MAXILLARY HYPOPLASIA WITH OR WITHOUT BRACHYDACTYLY. Identifiers: Orphanet 2504, MedGen C3549874, MONDO:0007984, OMIM 156510.

Submission:

Juno Genomics, Hangzhou Juno Genomics, Inc
Classification: Uncertain significance for Cleidocranial dysostosis; Metaphyseal dysplasia-maxillary hypoplasia-brachydacty syndrome. Review status: criteria provided, single submitter. Criteria: ACMG Guidelines, 2015. Collection method: clinical testing. Allele origin: germline.
Comment: Absent from controls (or at extremely low frequency if recessive) in Genome Aggregation Database.;Multiple lines of computational evidence support a deleterious effect on the gene or gene product.

NM_001024630.4(RUNX2):c.401A>G (p.Lys134Arg)

Gene: RUNX2 (RUNX family transcription factor 2; plus strand). Cytogenetic location: 6p21.1.
Variant type: single nucleotide variant.
Coding change: c.401A>G on transcript NM_001024630.4 (MANE Select); coding-DNA position 401, A replaced by G.
Protein change: p.Lys134Arg; replaces lysine 134 with arginine.
Molecular consequence: missense variant.
Genome position (GRCh38, 1-based): chr6:45,422,935, A>G. VCF-style: chr6-45422935-A-G. GRCh37 (hg19) VCF-style: chr6-45390672-A-G.
Other names: c.401A>G, p.Lys134Arg (NM_001015051.4); c.359A>G, p.Lys120Arg (NM_001278478.2, NM_001369405.1); short protein forms K120R, K134R.
Identifiers: ClinVar variation 5019382 (VCV005019382.2).
Genomic context (GRCh38, chr6:45,422,935, plus strand): 5'-TCCGCACCGACAGCCCCAACTTCCTGTGCTCGGTGCTGCCCTCGCACTGGCGCTGCAACA[A>G]GACCCTGCCCGTGGCCTTCAAGGTAAGAGGCTACACCGCCCCCCGCCCCCGGCCGGGAGC-3'
Protein context (NP_001019801.3, residues 124-144): SVLPSHWRCN[Lys134Arg]TLPVAFKVVA